The following is an entry in ClinVar:

ClinVar aggregate classification (germline): Pathogenic (1 of 4 stars; one submission).

Conditions:
CHARGE syndrome (CHARGE). Also called: Hittner Hirsch Kreh syndrome; CHARGE ASSOCIATION--COLOBOMA, HEART ANOMALY, CHOANAL ATRESIA, RETARDATION, GENITAL AND EAR ANOMALIES; Coloboma, heart anomaly, choanal atresia, retardation, genital and ear anomalies; CHARGE association; Hall-Hittner syndrome. Identifiers: Orphanet 138, MedGen C0265354, MONDO:0008965.

Submission:

Labcorp Genetics (formerly Invitae), Labcorp
Classification: Pathogenic for CHARGE syndrome. Last evaluated: 2023-10-06. Review status: criteria provided, single submitter. Criteria: Invitae Variant Classification Sherloc (09022015). Collection method: clinical testing. Allele origin: germline.
Comment: This sequence change creates a premature translational stop signal (p.Asp2614Glufs*26) in the CHD7 gene. It is expected to result in an absent or disrupted protein product. Loss-of-function variants in CHD7 are known to be pathogenic (PMID: 22461308, 25077900). This variant is not present in population databases (gnomAD no frequency). This variant has not been reported in the literature in individuals affected with CHD7-related conditions. For these reasons, this variant has been classified as Pathogenic.

Literature cited by the submitters: PubMed 22461308; PubMed 25077900.

NM_017780.4(CHD7):c.7840_7841dup (p.Asp2614fs)

Gene: CHD7 (chromodomain helicase DNA binding protein 7; plus strand). Cytogenetic location: 8q12.2.
Variant type: Duplication.
Coding change: c.7840_7841dup on transcript NM_017780.4 (MANE Select); coding-DNA positions 7840 to 7841, 2 bases duplicated (GA; older notation c.7840_7841dupGA).
Protein change: p.Asp2614fs; shifts the reading frame from aspartic acid 2614.
Molecular consequence: frameshift variant. On other transcripts: intron variant (1).
Genome position (GRCh38, 1-based): chr8:60,862,205-60,862,206, GA duplicated; duplicating any 2 consecutive bases within chr8:60,862,204-60,862,206 gives the same sequence; the c. name uses the placement nearest the transcript's 3' end. VCF-style (leftmost placement, unchanged base first): chr8-60862203-C-CAG. GRCh37 (hg19) VCF-style: chr8-61774762-C-CAG.
Other names: c.1717-24_1717-23dup (NM_001316690.1); short protein forms D2614fs.
Identifiers: ClinVar variation 2766281 (VCV002766281.3), dbSNP rs2488117463, ClinGen allele CA2697549939.